The following is an entry in ClinVar:

NM_016578.4(RSF1):c.2778G>A (p.Met926Ile)

Gene: RSF1 (remodeling and spacing factor 1; minus strand). Cytogenetic location: 11q14.1.
Variant type: single nucleotide variant.
Coding change: c.2778G>A on transcript NM_016578.4 (MANE Select); coding-DNA position 2778, G replaced by A.
Protein change: p.Met926Ile; replaces methionine 926 with isoleucine.
Molecular consequence: missense variant.
Genome position (GRCh38, 1-based): chr11:77,693,549, C>T on the plus strand (G>A on the coding strand, the complement: RSF1 is on the minus strand). VCF-style: chr11-77693549-C-T. GRCh37 (hg19) VCF-style: chr11-77404594-C-T.
Other names: p.M926I; short protein forms M926I.
Identifiers: ClinVar variation 4528925 (VCV004528925.2).

ClinVar aggregate classification (germline): Uncertain significance. Review status: criteria provided, multiple submitters, no conflicts (2 of 4 stars). 2 submissions from 2 submitters: Uncertain significance (2). Last evaluated 2026-02-04.

Conditions:
RSF1-related condition.
RSF1-related neurodevelopmental disorder.

Submissions (2):

Undiagnosed Diseases Network, NIH
Classification: Uncertain significance for RSF1-related condition. Last evaluated: 2026-02-04. Review status: criteria provided, single submitter. Criteria: ACMG Guidelines, 2015. Collection method: clinical testing. Allele origin: de novo. Inheritance: Autosomal dominant inheritance. Affected: yes. Observed: 1 variant allele, 1 heterozygote. Study: Undiagnosed Diseases Network (NIH), UDN.

Equipe Genetique des Anomalies du Developpement, Université de Bourgogne
Classification: Uncertain significance for RSF1-related neurodevelopmental disorder. Last evaluated: 2025-11-10. Review status: criteria provided, single submitter. Criteria: ACMG Guidelines, 2015. Collection method: research. Allele origin: de novo. Affected: yes.
Comment: This is a heterozygous de novo missense variant NM_016578.4:c.2778G>A p.(Met926Ile) in the gene RSF1 (chr11:g.77693549C>T, GRCh38). This variant is located within the PHD-finger domain and is predicted to affect a conserved residue. It is absent from the database gnomAD (v4.1.0). In silico prediction metrics support a deleterious effect (CADD-Phred: 26.70; PolyPhen-2: 0.92; SIFT: 0.008). According to current evidence, this variant is classified as a variant of uncertain significance (class 3, according to ACMG criteria).